The following is an entry in ClinVar:

NM_000051.4(ATM):c.1177T>G (p.Trp393Gly)

Gene: ATM (ATM serine/threonine kinase; plus strand). Cytogenetic location: 11q22.3.
Variant type: single nucleotide variant.
Coding change: c.1177T>G on transcript NM_000051.4 (MANE Select); coding-DNA position 1177, T replaced by G.
Protein change: p.Trp393Gly; replaces tryptophan 393 with glycine.
Molecular consequence: missense variant.
Genome position (GRCh38, 1-based): chr11:108,249,044, T>G. VCF-style: chr11-108249044-T-G. GRCh37 (hg19) VCF-style: chr11-108119771-T-G.
Other names: c.1177T>G, p.Trp393Gly (NM_001351834.2); short protein forms W393G.
Identifiers: ClinVar variation 1412973 (VCV001412973.6), dbSNP rs2135293953, ClinGen allele CA382532539.
Genomic context (GRCh38, chr11:108,249,044, plus strand): 5'-ACACAAAGAGAATCTAGTGATTACAGTGTCCCTTGCAAAAGGAAGAAAATAGAACTAGGC[T>G]GGGAAGTAATAAAAGATCACCTTCAGAAGTCACAGAATGATTTTGATCTTGTGCCTTGGT-3'
Protein context (NP_000042.3, residues 383-403): PCKRKKIELG[Trp393Gly]EVIKDHLQKS

ClinVar aggregate classification (germline): Uncertain significance (1 of 4 stars; one submission).

Conditions:
Ataxia-telangiectasia syndrome (AT). Also called: LOUIS-BAR SYNDROME; Cerebello-oculocutaneous telangiectasia; Immunodeficiency with ataxia telangiectasia; ATAXIA-TELANGIECTASIA, COMPLEMENTATION GROUP A; ATAXIA-TELANGIECTASIA, FRESNO VARIANT; Ataxia-telangiectasia, complementation group D. Identifiers: Orphanet 100, MedGen C0004135, MONDO:0008840, OMIM 208900.

Submission:

Labcorp Genetics (formerly Invitae), Labcorp
Classification: Uncertain significance for Ataxia-telangiectasia syndrome. Last evaluated: 2022-02-20. Review status: criteria provided, single submitter. Criteria: Invitae Variant Classification Sherloc (09022015). Collection method: clinical testing. Allele origin: germline.
Comment: In summary, the available evidence is currently insufficient to determine the role of this variant in disease. Therefore, it has been classified as a Variant of Uncertain Significance. Advanced modeling of protein sequence and biophysical properties (such as structural, functional, and spatial information, amino acid conservation, physicochemical variation, residue mobility, and thermodynamic stability) performed at Invitae indicates that this missense variant is not expected to disrupt ATM protein function. This variant has not been reported in the literature in individuals affected with ATM-related conditions. This variant is not present in population databases (gnomAD no frequency). This sequence change replaces tryptophan, which is neutral and slightly polar, with glycine, which is neutral and non-polar, at codon 393 of the ATM protein (p.Trp393Gly).